The following is an entry in ClinVar:

NM_000179.3(MSH6):c.3808_3833dup (p.Pro1278_Ser1279insTrpTer)

Gene: MSH6 (mutS homolog 6; plus strand). Cytogenetic location: 2p16.3.
Variant type: Duplication.
Coding change: c.3808_3833dup on transcript NM_000179.3 (MANE Select); coding-DNA positions 3808 to 3833, 26 bases duplicated (ATGGTAGAAAATGAATGTGAAGACCC).
Protein change: p.Pro1278_Ser1279insTrpTer.
Molecular consequence: nonsense, inframe insertion. On other transcripts: non-coding transcript variant (5), intron variant (1), splice acceptor variant (1), frameshift variant (1).
Genome position (GRCh38, 1-based): chr2:47,806,458-47,806,483, ATGGTAGAAAATGAATGTGAAGACCC duplicated; duplicating any 26 consecutive bases within chr2:47,806,457-47,806,483 gives the same sequence; the c. name uses the placement nearest the transcript's 3' end. VCF-style (leftmost placement, unchanged base first): chr2-47806456-G-GCATGGTAGAAAATGAATGTGAAGACC. GRCh37 (hg19) VCF-style: chr2-48033595-G-GCATGGTAGAAAATGAATGTGAAGACC.
Other names: c.3897+100_3897+125dup (NM_001406802.1); c.3802-7_3820dup (NM_001406800.1); c.3418_3443dup, p.Pro1148_Ser1149insTrpTer (NM_001281492.2); c.2902_2927dup, p.Pro976_Ser977insTrpTer (NM_001281493.2, NM_001281494.2, NM_001406811.1 and 6 more transcripts); c.3904_3929dup, p.Pro1310_Ser1311insTrpTer (NM_001406795.1); c.3808_3833dup, p.Pro1278_Ser1279insTrpTer (NM_001406796.1, NM_001406808.1, NM_001406809.1); c.3511_3536dup, p.Pro1179_Ser1180insTrpTer (NM_001406797.1, NM_001406801.1, NM_001406805.1 and 10 more transcripts); c.3634_3659dup, p.Pro1220_Ser1221insTrpTer (NM_001406798.1); and 10 more.
Identifiers: ClinVar variation 4658167 (VCV004658167.1).

ClinVar aggregate classification (germline): Pathogenic (1 of 4 stars; one submission).

Conditions:
Hereditary cancer-predisposing syndrome. Also called: Neoplastic Syndromes, Hereditary; Tumor predisposition; Hereditary Cancer Syndrome; Hereditary neoplastic syndrome. Identifiers: Orphanet 140162, MedGen C0027672, MeSH D009386, MONDO:0015356.

Submission:

Ambry Genetics
Classification: Pathogenic for Hereditary cancer-predisposing syndrome. Last evaluated: 2025-12-01. Review status: criteria provided, single submitter. Criteria: Ambry Variant Classification Scheme 2023. Collection method: clinical testing. Allele origin: germline.
Comment: The c.3808_3833dup26 variant, located in coding exon 9 of the MSH6 gene, results from a duplication of ATGGTAGAAAATGAATGTGAAGACCC at nucleotide position 3808, causing a translational frameshift with a predicted alternate stop codon (p.S1279Wfs*2). This variant is considered to be rare based on population cohorts in the Genome Aggregation Database (gnomAD). This alteration is expected to result in loss of function by premature protein truncation or nonsense-mediated mRNA decay. As such, this alteration is interpreted as a disease-causing mutation.